The following is an entry in ClinVar:

NM_199420.4(POLQ):c.3827G>A (p.Ser1276Asn)

Gene: POLQ (DNA polymerase theta; minus strand). Cytogenetic location: 3q13.33.
Variant type: single nucleotide variant.
Coding change: c.3827G>A on transcript NM_199420.4 (MANE Select); coding-DNA position 3827, G replaced by A.
Protein change: p.Ser1276Asn; replaces serine 1276 with asparagine.
Molecular consequence: missense variant.
Genome position (GRCh38, 1-based): chr3:121,489,104, C>T on the plus strand (G>A on the coding strand, the complement: POLQ is on the minus strand). VCF-style: chr3-121489104-C-T. GRCh37 (hg19) VCF-style: chr3-121207951-C-T.
Other names: short protein forms S1276N.
Identifiers: ClinVar variation 1735309 (VCV001735309.3), dbSNP rs181141780, ClinGen allele CA2563000.

ClinVar aggregate classification (germline): Uncertain significance (1 of 4 stars; one submission).

Allele frequency attached by ClinVar (database versions not stated): gnomAD 0.00003; TOPMed 0.00003; gnomAD exomes 0.00004; ExAC 0.00007; 1000 Genomes Project 30x 0.00031; 1000 Genomes Project 0.00040.
gnomAD v4.1: 29 of 1,613,800 alleles (0.0018%); highest among the groups gnomAD compares: Admixed American, 0.045%; no homozygotes.

Submission:

Ambry Genetics
Classification: Uncertain significance. Last evaluated: 2024-11-17. Review status: criteria provided, single submitter. Criteria: Ambry Variant Classification Scheme 2023. Collection method: clinical testing. Allele origin: germline.
Comment: The p.S1276N variant (also known as c.3827G>A), located in coding exon 16 of the POLQ gene, results from a G to A substitution at nucleotide position 3827. The serine at codon 1276 is replaced by asparagine, an amino acid with highly similar properties. This amino acid position is conserved. In addition, this alteration is predicted to be tolerated by in silico analysis. Since supporting evidence is limited at this time, the clinical significance of this alteration remains unclear.